The following is an entry in ClinVar:

ClinVar aggregate classification (germline): Uncertain significance. Review status: criteria provided, multiple submitters, no conflicts (2 of 4 stars). 2 submissions from 2 submitters: Uncertain significance (2). Last evaluated 2022-05-17.

Conditions:
Beckwith-Wiedemann syndrome (BWS). Also called: Exomphalos macroglossia gigantism syndrome; EMG SYNDROME. Identifiers: Orphanet 116, MedGen C0004903, MONDO:0007534, OMIM 130650.

Submissions (2):

GeneDx
Classification: Uncertain significance. Last evaluated: 2022-05-17. Review status: criteria provided, single submitter. Criteria: GeneDx Variant Classification Process June 2021. Collection method: clinical testing. Allele origin: germline. Affected: yes.
Comment: Not observed at significant frequency in large population cohorts (gnomAD); In silico analysis supports that this missense variant does not alter protein structure/function; Has not been previously published as pathogenic or benign to our knowledge

Labcorp Genetics (formerly Invitae), Labcorp
Classification: Uncertain significance for Beckwith-Wiedemann syndrome. Last evaluated: 2020-02-26. Review status: criteria provided, single submitter. Criteria: Invitae Variant Classification Sherloc (09022015). Collection method: clinical testing. Allele origin: germline.
Comment: In summary, the available evidence is currently insufficient to determine the role of this variant in disease. Therefore, it has been classified as a Variant of Uncertain Significance. This variant has not been reported in the literature in individuals with CDKN1C-related conditions. The frequency data for this variant in the population databases is considered unreliable, as metrics indicate insufficient coverage at this position in the ExAC database. This sequence change replaces proline with serine at codon 140 of the CDKN1C protein (p.Pro140Ser). The proline residue is weakly conserved and there is a moderate physicochemical difference between proline and serine.

NM_001122630.2(CDKN1C):c.385C>T (p.Pro129Ser)

Gene: CDKN1C (cyclin dependent kinase inhibitor 1C; minus strand). Cytogenetic location: 11p15.4.
Variant type: single nucleotide variant.
Coding change: c.385C>T on transcript NM_001122630.2 (MANE Select); coding-DNA position 385, C replaced by T.
Protein change: p.Pro129Ser; replaces proline 129 with serine.
Molecular consequence: missense variant. On other transcripts: intron variant (1).
Genome position (GRCh38, 1-based): chr11:2,885,072, G>A on the plus strand (C>T on the coding strand, the complement: CDKN1C is on the minus strand). VCF-style: chr11-2885072-G-A. GRCh37 (hg19) VCF-style: chr11-2906302-G-A.
Other names: c.418C>T, p.Pro140Ser (NM_000076.2, NM_001362474.2); c.385C>T, p.Pro129Ser (NM_001122631.2); c.255+130C>T (NM_001362475.2); short protein forms P129S, P140S.
Identifiers: ClinVar variation 957084 (VCV000957084.10), dbSNP rs1848957482, ClinGen allele CA379146733.
Genomic context (GRCh38, chr11:2,885,072, plus strand): 5'-GGGCCGGGGCTGGAGCCAGGACCGGGACTGGGGGCGGGGTGGACGCCGGGGCCGGGACCG[G>A]GACACTAGGCAGCTGCTCCGGCGCCTCCTCGAGGCCGTCGAGGGACTCAGCGGCCGGCTC-3'
Protein context (NP_001116102.1, residues 119-139): EEAPEQLPSV[Pro129Ser]VPAPASTPPP